The following is an entry in ClinVar:

ClinVar aggregate classification (germline): Uncertain significance (1 of 4 stars; one submission).

Conditions:
Hereditary nonpolyposis colorectal neoplasms. Identifiers: MedGen C0009405, MeSH D003123.

Submission:

Labcorp Genetics (formerly Invitae), Labcorp
Classification: Uncertain significance for Hereditary nonpolyposis colorectal neoplasms. Last evaluated: 2025-07-30. Review status: criteria provided, single submitter. Criteria: Invitae Variant Classification Sherloc (09022015). Collection method: clinical testing. Allele origin: germline.
Comment: This sequence change replaces aspartic acid, which is acidic and polar, with alanine, which is neutral and non-polar, at codon 857 of the MSH6 protein (p.Asp857Ala). This variant is not present in population databases (gnomAD no frequency). This variant has not been reported in the literature in individuals affected with MSH6-related conditions. ClinVar contains an entry for this variant (Variation ID: 962997). Invitae Evidence Modeling of protein sequence and biophysical properties (such as structural, functional, and spatial information, amino acid conservation, physicochemical variation, residue mobility, and thermodynamic stability) has been performed for this missense variant. However, the output from this modeling did not meet the statistical confidence thresholds required to predict the impact of this variant on MSH6 protein function. In summary, the available evidence is currently insufficient to determine the role of this variant in disease. Therefore, it has been classified as a Variant of Uncertain Significance.

NM_000179.3(MSH6):c.2570A>C (p.Asp857Ala)

Gene: MSH6 (mutS homolog 6; plus strand). Cytogenetic location: 2p16.3.
Variant type: single nucleotide variant.
Coding change: c.2570A>C on transcript NM_000179.3 (MANE Select); coding-DNA position 2570, A replaced by C.
Protein change: p.Asp857Ala; replaces aspartic acid 857 with alanine.
Molecular consequence: missense variant.
Genome position (GRCh38, 1-based): chr2:47,800,553, A>C. VCF-style: chr2-47800553-A-C. GRCh37 (hg19) VCF-style: chr2-48027692-A-C.
Other names: c.2180A>C, p.Asp727Ala (NM_001281492.2); c.1664A>C, p.Asp555Ala (NM_001281493.2, NM_001281494.2); short protein forms D727A, D555A, D857A.
Identifiers: ClinVar variation 962997 (VCV000962997.8), dbSNP rs758176077, ClinGen allele CA346754730.